The following is an entry in ClinVar:

ClinVar aggregate classification (germline): Uncertain significance. Review status: criteria provided, single submitter (1 of 4 stars). 2 submissions from 2 submitters: Uncertain significance (1). 1 of the submissions does not count toward it. Last evaluated 2026-01-13.

Conditions:
Pontocerebellar hypoplasia type 1A (PCH1A). Also called: PONTOCEREBELLAR HYPOPLASIA WITH ANTERIOR HORN CELL DISEASE; PONTOCEREBELLAR HYPOPLASIA WITH INFANTILE SPINAL MUSCULAR ATROPHY. Identifiers: Orphanet 2254, Orphanet 88616, MedGen C1843504, MONDO:0011866, OMIM 607596.

Submissions (2):

Women's Health and Genetics/Laboratory Corporation of America, LabCorp
Classification: Uncertain significance. Last evaluated: 2026-01-13. Review status: criteria provided, single submitter. Criteria: LabCorp Variant Classification Summary - May 2015. Collection method: clinical testing. Allele origin: germline.
Comment: Variant summary: VRK1 c.164A>G (p.Asp55Gly) results in a non-conservative amino acid change in the encoded protein sequence. Algorithms developed to predict the effect of missense changes on protein structure and function are either unavailable or do not agree on the potential impact of this missense change. The variant allele was found at a frequency of 8.6e-06 in 231832 control chromosomes (gnomAD). The available data on variant occurrences in the general population are insufficient to allow any conclusion about variant significance. To our knowledge, no occurrence of c.164A>G in individuals affected with VRK1-related conditions and no experimental evidence demonstrating its impact on protein function have been reported. ClinVar contains an entry for this variant (Variation ID: 4063315). Based on the evidence outlined above, the variant was classified as uncertain significance.

Natera, Inc.
Classification: Uncertain significance for Pontocerebellar hypoplasia, type 1a. Last evaluated: 2025-04-10. Review status: no assertion criteria provided. Collection method: clinical testing. Allele origin: germline. Not counted in ClinVar's aggregate classification.

NM_003384.3(VRK1):c.164A>G (p.Asp55Gly)

Gene: VRK1 (VRK serine/threonine kinase 1; plus strand). Cytogenetic location: 14q32.2.
Variant type: single nucleotide variant.
Coding change: c.164A>G on transcript NM_003384.3 (MANE Select); coding-DNA position 164, A replaced by G.
Protein change: p.Asp55Gly; replaces aspartic acid 55 with glycine.
Molecular consequence: missense variant.
Genome position (GRCh38, 1-based): chr14:96,837,765, A>G. VCF-style: chr14-96837765-A-G. GRCh37 (hg19) VCF-style: chr14-97304102-A-G.
Other names: c.164A>G, p.Asp55Gly (NM_001411051.1, NM_001411053.1); short protein forms D55G.
Identifiers: ClinVar variation 4063315 (VCV004063315.2).
Genomic context (GRCh38, chr14:96,837,765, plus strand): 5'-TTAATATATTTATAATATTACTTGTTCTGATATCAAATATTTTACTTTTTTAAACAGCTG[A>G]TATGAATTCTTCAGAGTCAGTTGGCAGTGATGCACCTTGTGTTGTAAAAGTGGTAAGAAA-3'
Protein context (NP_003375.1, residues 45-65): QGGFGCIYLA[Asp55Gly]MNSSESVGSD